The following is an entry in ClinVar:

NM_015215.4(CAMTA1):c.1189G>A (p.Ala397Thr)

Gene: CAMTA1 (calmodulin binding transcription activator 1; plus strand). Cytogenetic location: 1p36.23.
Variant type: single nucleotide variant.
Coding change: c.1189G>A on transcript NM_015215.4 (MANE Select); coding-DNA position 1189, G replaced by A.
Protein change: p.Ala397Thr; replaces alanine 397 with threonine.
Molecular consequence: missense variant.
Genome position (GRCh38, 1-based): chr1:7,663,736, G>A. VCF-style: chr1-7663736-G-A. GRCh37 (hg19) VCF-style: chr1-7723796-G-A.
Other names: c.1099G>A, p.Ala367Thr (NM_001349608.2, NM_001349612.2); c.1189G>A, p.Ala397Thr (NM_001349609.2, NM_001349610.2, NM_001410737.1); c.1117G>A, p.Ala373Thr (NM_001410738.1); c.1189G>A (NM_015215.2); short protein forms A373T, A397T, A367T.
Identifiers: ClinVar variation 2085803 (VCV002085803.5), dbSNP rs143855619, ClinGen allele CA566392.

ClinVar aggregate classification (germline): Conflicting classifications of pathogenicity. Review status: criteria provided, conflicting classifications (1 of 4 stars). 2 submissions from 2 submitters: Uncertain significance (1); Likely benign (1). Last evaluated 2025-09-01.

Conditions:
Inborn genetic diseases. Identifiers: MedGen C0950123, MeSH D030342.

Allele frequency attached by ClinVar (database versions not stated): gnomAD 0.00005; ExAC 0.00007; TOPMed 0.00008; ESP Exome Variant Server 0.00015.
gnomAD v4.1: 43 of 1,613,772 alleles (0.0027%); highest among the groups gnomAD compares: Admixed American, 0.01%; no homozygotes.

Submissions (2):

Ambry Genetics
Classification: Likely benign for Inborn genetic diseases. Last evaluated: 2025-09-01. Review status: criteria provided, single submitter. Criteria: Ambry Variant Classification Scheme 2023. Collection method: clinical testing. Allele origin: germline.

Labcorp Genetics (formerly Invitae), Labcorp
Classification: Uncertain significance. Last evaluated: 2022-07-23. Review status: criteria provided, single submitter. Criteria: Invitae Variant Classification Sherloc (09022015). Collection method: clinical testing. Allele origin: germline.
Comment: This sequence change replaces alanine, which is neutral and non-polar, with threonine, which is neutral and polar, at codon 397 of the CAMTA1 protein (p.Ala397Thr). This variant is present in population databases (rs143855619, gnomAD 0.01%). In summary, the available evidence is currently insufficient to determine the role of this variant in disease. Therefore, it has been classified as a Variant of Uncertain Significance. Algorithms developed to predict the effect of missense changes on protein structure and function are either unavailable or do not agree on the potential impact of this missense change (SIFT: "Tolerated"; PolyPhen-2: "Probably Damaging"; Align-GVGD: "Class C0"). This variant has not been reported in the literature in individuals affected with CAMTA1-related conditions.